The following is an entry in ClinVar:

ClinVar aggregate classification (germline): Uncertain significance (1 of 4 stars; one submission).

gnomAD v4.1: 1 of 1,614,034 alleles (0.000062%); highest among the groups gnomAD compares: Non-Finnish European, 0.000085%; no homozygotes.

Submission:

Ambry Genetics
Classification: Uncertain significance. Last evaluated: 2024-06-24. Review status: criteria provided, single submitter. Criteria: Ambry Variant Classification Scheme 2023. Collection method: clinical testing. Allele origin: germline.
Comment: The p.F1774S variant (also known as c.5321T>C), located in coding exon 16 of the POLQ gene, results from a T to C substitution at nucleotide position 5321. The phenylalanine at codon 1774 is replaced by serine, an amino acid with highly dissimilar properties. This amino acid position is conserved. In addition, this alteration is predicted to be tolerated by in silico analysis. Based on the available evidence, the clinical significance of this variant remains unclear.

NM_199420.4(POLQ):c.5321T>C (p.Phe1774Ser)

Gene: POLQ (DNA polymerase theta; minus strand). Cytogenetic location: 3q13.33.
Variant type: single nucleotide variant.
Coding change: c.5321T>C on transcript NM_199420.4 (MANE Select); coding-DNA position 5321, T replaced by C.
Protein change: p.Phe1774Ser; replaces phenylalanine 1774 with serine.
Molecular consequence: missense variant.
Genome position (GRCh38, 1-based): chr3:121,487,610, A>G on the plus strand (T>C on the coding strand, the complement: POLQ is on the minus strand). VCF-style: chr3-121487610-A-G. GRCh37 (hg19) VCF-style: chr3-121206457-A-G.
Other names: short protein forms F1774S.
Identifiers: ClinVar variation 3308494 (VCV003308494.1).